The following is an entry in ClinVar:

ClinVar aggregate classification (germline): Uncertain significance (1 of 4 stars; one submission).

Conditions:
Cardiovascular phenotype. Identifiers: MedGen CN230736.

gnomAD v4.1: 5 of 1,612,460 alleles (0.00031%); highest among the groups gnomAD compares: Admixed American, 0.0017%; no homozygotes.

Submission:

Ambry Genetics
Classification: Uncertain significance for Cardiovascular phenotype. Last evaluated: 2025-02-15. Review status: criteria provided, single submitter. Criteria: Ambry Variant Classification Scheme 2023. Collection method: clinical testing. Allele origin: germline.
Comment: The p.G1513R variant (also known as c.4537G>A), located in coding exon 11 of the TNXB gene, results from a G to A substitution at nucleotide position 4537. The glycine at codon 1513 is replaced by arginine, an amino acid with dissimilar properties. This amino acid position is conserved. In addition, the in silico prediction for this alteration is inconclusive. Based on the available evidence, the clinical significance of this variant remains unclear.

NM_001365276.2(TNXB):c.4537G>A (p.Gly1513Arg)

Gene: TNXB (tenascin XB; minus strand). Cytogenetic location: 6p21.33.
Variant type: single nucleotide variant.
Coding change: c.4537G>A on transcript NM_001365276.2 (MANE Select); coding-DNA position 4537, G replaced by A.
Protein change: p.Gly1513Arg; replaces glycine 1513 with arginine.
Molecular consequence: missense variant.
Genome position (GRCh38, 1-based): chr6:32,073,791, C>T on the plus strand (G>A on the coding strand, the complement: TNXB is on the minus strand). VCF-style: chr6-32073791-C-T. GRCh37 (hg19) VCF-style: chr6-32041568-C-T.
Other names: c.5278G>A, p.Gly1760Arg (NM_001428335.1); c.4537G>A, p.Gly1513Arg (NM_019105.8); short protein forms G1513R, G1760R.
Identifiers: ClinVar variation 3809362 (VCV003809362.1).